The following is an entry in ClinVar:

ClinVar aggregate classification (germline): Uncertain significance (1 of 4 stars; one submission).

Submission:

Labcorp Genetics (formerly Invitae), Labcorp
Classification: Uncertain significance. Last evaluated: 2024-02-17. Review status: criteria provided, single submitter. Criteria: Invitae Variant Classification Sherloc (09022015). Collection method: clinical testing. Allele origin: germline.
Comment: This sequence change replaces threonine, which is neutral and polar, with arginine, which is basic and polar, at codon 114 of the CYP27B1 protein (p.Thr114Arg). This variant is present in population databases (no rsID available, gnomAD 0.003%). This variant has not been reported in the literature in individuals affected with CYP27B1-related conditions. ClinVar contains an entry for this variant (Variation ID: 1449172). Advanced modeling of protein sequence and biophysical properties (such as structural, functional, and spatial information, amino acid conservation, physicochemical variation, residue mobility, and thermodynamic stability) performed at Invitae indicates that this missense variant is not expected to disrupt CYP27B1 protein function with a negative predictive value of 80%. In summary, the available evidence is currently insufficient to determine the role of this variant in disease. Therefore, it has been classified as a Variant of Uncertain Significance.

NM_000785.4(CYP27B1):c.341C>G (p.Thr114Arg)

Gene: CYP27B1 (cytochrome P450 family 27 subfamily B member 1; minus strand). Cytogenetic location: 12q14.1.
Variant type: single nucleotide variant.
Coding change: c.341C>G on transcript NM_000785.4 (MANE Select); coding-DNA position 341, C replaced by G.
Protein change: p.Thr114Arg; replaces threonine 114 with arginine.
Molecular consequence: missense variant.
Genome position (GRCh38, 1-based): chr12:57,766,052, G>C on the plus strand (C>G on the coding strand, the complement: CYP27B1 is on the minus strand). VCF-style: chr12-57766052-G-C. GRCh37 (hg19) VCF-style: chr12-58159835-G-C.
Other names: short protein forms T114R.
Identifiers: ClinVar variation 1449172 (VCV001449172.5), dbSNP rs1247839240, ClinGen allele CA385507797.